The following is an entry in ClinVar:

ClinVar aggregate classification (germline): Benign/Likely benign. Review status: criteria provided, multiple submitters, no conflicts (2 of 4 stars). 3 submissions from 3 submitters: Benign (1); Likely benign (2). Last evaluated 2023-02-22.

Conditions:
Autosomal dominant nonsyndromic hearing loss 17. Also called: Deafness, autosomal dominant 17; Autosomal dominant nonsyndromic deafness 17. Identifiers: Orphanet 90635, MedGen C1863659, MONDO:0011350, OMIM 603622.
Macrothrombocytopenia and granulocyte inclusions with or without nephritis or sensorineural hearing loss (MATINS). Also called: BLEEDING DISORDER, PLATELET-TYPE, 6; MAY-HEGGLIN ANOMALY; MYH9-Related Disease (MYH9-RD); DOHLE LEUKOCYTE INCLUSIONS WITH GIANT PLATELETS; SEBASTIAN PLATELET SYNDROME; MACROTHROMBOCYTOPENIA WITH DISPERSED LEUKOCYTIC INCLUSIONS. Identifiers: Orphanet 182050, MedGen C5200934, MONDO:0015912, OMIM 155100.

Allele frequency attached by ClinVar (database versions not stated): gnomAD exomes 0.00002 and 0.00003; ExAC 0.00004; TOPMed 0.00004; gnomAD 0.00005; 1000 Genomes Project 30x 0.00016; 1000 Genomes Project 0.00020.
gnomAD v4.1: 48 of 1,613,912 alleles (0.003%); highest among the groups gnomAD compares: Middle Eastern, 0.017%; no homozygotes.

Submissions (3):

Labcorp Genetics (formerly Invitae), Labcorp
Classification: Benign. Last evaluated: 2023-02-22. Review status: criteria provided, single submitter. Criteria: Invitae Variant Classification Sherloc (09022015). Collection method: clinical testing. Allele origin: germline.

Fulgent Genetics
Classification: Likely benign for Macrothrombocytopenia and granulocyte inclusions with or without nephritis or sensorineural hearing loss; Autosomal dominant nonsyndromic hearing loss 17. Last evaluated: 2021-08-30. Review status: criteria provided, single submitter. Criteria: ACMG Guidelines, 2015. Collection method: clinical testing. Allele origin: unknown.

Laboratory for Molecular Medicine, Mass General Brigham Personalized Medicine
Classification: Likely benign. Last evaluated: 2013-07-28. Review status: criteria provided, single submitter. Criteria: LMM Criteria. Collection method: clinical testing. Allele origin: germline. Observed: 1 variant allele.
Comment: Asn1128Asn in Exon 26 of MYH9: This variant is not expected to have clinical sig nificance because it does not alter an amino acid residue and is not located wit hin the splice consensus sequence.

NM_002473.6(MYH9):c.3384T>C (p.Asn1128=)

Gene: MYH9 (myosin heavy chain 9; minus strand). Cytogenetic location: 22q12.3.
Variant type: single nucleotide variant.
Coding change: c.3384T>C on transcript NM_002473.6 (MANE Select); coding-DNA position 3384, T replaced by C.
Protein change: p.Asn1128=; no amino-acid change (asparagine 1128 retained).
Molecular consequence: synonymous variant.
Genome position (GRCh38, 1-based): chr22:36,295,606, A>G on the plus strand (T>C on the coding strand, the complement: MYH9 is on the minus strand). VCF-style: chr22-36295606-A-G. GRCh37 (hg19) VCF-style: chr22-36691652-A-G.
Identifiers: ClinVar variation 179084 (VCV000179084.10), dbSNP rs531623930, ClinGen allele CA183697.
Genomic context (GRCh38, chr22:36,295,606, plus strand): 5'-CAACTCTGTTTTCAGAGCCTCTAGCTCTTCCCCAAGGTCCCGTTTCTGCTTCTCAGCTTT[A>G]TTCCTGGAAGCACGCTCAGACTCCAGGTCTTCCTGGAGTTCAGAGATCTGAGATTCCAGC-3'
Protein context (NP_002464.1, residues 1118-1138): EDLESERASR[Asn1128=]KAEKQKRDLG